The following is an entry in ClinVar:

NM_001031689.3(PLAA):c.1060C>T (p.Arg354Cys)

Gene: PLAA (phospholipase A2 activating protein; minus strand). Cytogenetic location: 9p21.2.
Variant type: single nucleotide variant.
Coding change: c.1060C>T on transcript NM_001031689.3 (MANE Select); coding-DNA position 1060, C replaced by T.
Protein change: p.Arg354Cys; replaces arginine 354 with cysteine.
Molecular consequence: missense variant.
Genome position (GRCh38, 1-based): chr9:26,920,364, G>A on the plus strand (C>T on the coding strand, the complement: PLAA is on the minus strand). VCF-style: chr9-26920364-G-A. GRCh37 (hg19) VCF-style: chr9-26920362-G-A.
Other names: c.1060C>T, p.Arg354Cys (NM_001321546.2); short protein forms R354C.
Identifiers: ClinVar variation 1942857 (VCV001942857.5), dbSNP rs1563910839, ClinGen allele CA373132673.

ClinVar aggregate classification (germline): Uncertain significance (1 of 4 stars; one submission).

Allele frequency attached by ClinVar (database versions not stated): gnomAD exomes below 0.00001; gnomAD 0.00001; 1000 Genomes Project 30x 0.00031.
gnomAD v4.1: 4 of 1,611,802 alleles (0.00025%); highest among the groups gnomAD compares: South Asian, 0.0022%; no homozygotes.

Submission:

Labcorp Genetics (formerly Invitae), Labcorp
Classification: Uncertain significance. Last evaluated: 2022-06-10. Review status: criteria provided, single submitter. Criteria: Invitae Variant Classification Sherloc (09022015). Collection method: clinical testing. Allele origin: germline.
Comment: In summary, the available evidence is currently insufficient to determine the role of this variant in disease. Therefore, it has been classified as a Variant of Uncertain Significance. Algorithms developed to predict the effect of sequence changes on RNA splicing suggest that this variant may disrupt the consensus splice site. Algorithms developed to predict the effect of missense changes on protein structure and function are either unavailable or do not agree on the potential impact of this missense change (SIFT: "Deleterious"; PolyPhen-2: "Probably Damaging"; Align-GVGD: "Class C15"). This variant has not been reported in the literature in individuals affected with PLAA-related conditions. This variant is not present in population databases (gnomAD no frequency). This sequence change replaces arginine, which is basic and polar, with cysteine, which is neutral and slightly polar, at codon 354 of the PLAA protein (p.Arg354Cys).